The following is an entry in ClinVar:

NM_014908.4(DOLK):c.202A>T (p.Ser68Cys)

Gene: DOLK (dolichol kinase; minus strand). Cytogenetic location: 9q34.11.
Variant type: single nucleotide variant.
Coding change: c.202A>T on transcript NM_014908.4 (MANE Select); coding-DNA position 202, A replaced by T.
Protein change: p.Ser68Cys; replaces serine 68 with cysteine.
Molecular consequence: missense variant.
Genome position (GRCh38, 1-based): chr9:128,947,102, T>A on the plus strand (A>T on the coding strand, the complement: DOLK is on the minus strand). VCF-style: chr9-128947102-T-A. GRCh37 (hg19) VCF-style: chr9-131709381-T-A.
Other names: short protein forms S68C.
Identifiers: ClinVar variation 1384403 (VCV001384403.6), dbSNP rs2131129139, ClinGen allele CA375127712.
Genomic context (GRCh38, chr9:128,947,102, plus strand): 5'-TGACCATGGAGGCGGGCAATAGGCCACTGTTTGCGGACATTCGGAACTGGAAGACGGCGC[T>A]TCCCTGCTGTAGCAGCCGGTCCCACTTGTATTGGACGTAGAAGGCCTGCACTGCGAGGGC-3'
Protein context (NP_055723.1, residues 58-78): YKWDRLLQQG[Ser68Cys]AVFQFRMSAN

ClinVar aggregate classification (germline): Uncertain significance (1 of 4 stars; one submission).

Conditions:
DK1-congenital disorder of glycosylation. Also called: CONGENITAL DISORDER OF GLYCOSYLATION, TYPE Im; DK1-CDG; DOLK-congenital disorder of glycosylation; Carbohydrate deficient glycoprotein syndrome type 1m; CDG Im; DK1 DEFICIENCY. Identifiers: Orphanet 91131, MedGen C1835849, MONDO:0012556, OMIM 610768.

Allele frequency attached by ClinVar (database versions not stated): gnomAD exomes below 0.00001.
gnomAD v4.1: 1 of 1,613,964 alleles (0.000062%); highest among the groups gnomAD compares: South Asian, 0.0011%; no homozygotes.

Submission:

Labcorp Genetics (formerly Invitae), Labcorp
Classification: Uncertain significance for DK1-congenital disorder of glycosylation. Last evaluated: 2021-10-04. Review status: criteria provided, single submitter. Criteria: Invitae Variant Classification Sherloc (09022015). Collection method: clinical testing. Allele origin: germline.
Comment: In summary, the available evidence is currently insufficient to determine the role of this variant in disease. Therefore, it has been classified as a Variant of Uncertain Significance. Algorithms developed to predict the effect of missense changes on protein structure and function are either unavailable or do not agree on the potential impact of this missense change (SIFT: "Deleterious"; PolyPhen-2: "Benign"; Align-GVGD: "Class C0"). This variant has not been reported in the literature in individuals affected with DOLK-related conditions. This variant is not present in population databases (ExAC no frequency). This sequence change replaces serine with cysteine at codon 68 of the DOLK protein (p.Ser68Cys). The serine residue is weakly conserved and there is a moderate physicochemical difference between serine and cysteine.